The following is an entry in ClinVar:

NM_002693.3(POLG):c.475C>G (p.Gln159Glu)

Genes: POLG (DNA polymerase gamma, catalytic subunit; minus strand), POLGARF (POLG alternative reading frame; minus strand). Cytogenetic location: 15q26.1.
Variant type: single nucleotide variant.
Coding change: c.475C>G on transcript NM_002693.3 (MANE Select); coding-DNA position 475, C replaced by G.
Protein change: p.Gln159Glu; replaces glutamine 159 with glutamic acid.
Molecular consequence: missense variant.
Genome position (GRCh38, 1-based): chr15:89,333,280, G>C on the plus strand (C>G on the coding strand, the complement: POLG is on the minus strand). VCF-style: chr15-89333280-G-C. GRCh37 (hg19) VCF-style: chr15-89876511-G-C.
Other names: c.475C>G, p.Gln159Glu (NM_001126131.2); c.475C>G (NM_002693.2); short protein forms Q159E.
Identifiers: ClinVar variation 1444336 (VCV001444336.9), dbSNP rs1487941216, ClinGen allele CA393771419.

ClinVar aggregate classification (germline): Uncertain significance. Review status: criteria provided, multiple submitters, no conflicts (2 of 4 stars). 2 submissions from 2 submitters: Uncertain significance (2). Last evaluated 2025-10-26.

Conditions:
Progressive sclerosing poliodystrophy (MTDPS4A). Also called: ALPERS PROGRESSIVE INFANTILE POLIODYSTROPHY; NEURONAL DEGENERATION OF CHILDHOOD WITH LIVER DISEASE, PROGRESSIVE; Alpers Syndrome; ALPERS DIFFUSE DEGENERATION OF CEREBRAL GRAY MATTER WITH HEPATIC CIRRHOSIS; Alpers-Huttenlocher Syndrome; Mitochondrial DNA depletion syndrome 4A (Alpers type). Identifiers: Orphanet 726, MedGen C0205710, MONDO:0008758, OMIM 203700.

Allele frequency attached by ClinVar (database versions not stated): gnomAD 0.00001.
gnomAD v4.1: 1 of 1,558,252 alleles (0.000064%); highest among the groups gnomAD compares: Non-Finnish European, 0.000087%; no homozygotes.

Submissions (2):

Labcorp Genetics (formerly Invitae), Labcorp
Classification: Uncertain significance for Progressive sclerosing poliodystrophy. Last evaluated: 2025-10-26. Review status: criteria provided, single submitter. Criteria: Invitae Variant Classification Sherloc (09022015). Collection method: clinical testing. Allele origin: germline.
Comment: This sequence change replaces glutamine, which is neutral and polar, with glutamic acid, which is acidic and polar, at codon 159 of the POLG protein (p.Gln159Glu). This variant is present in population databases (no rsID available, gnomAD 0.007%). This variant has not been reported in the literature in individuals affected with POLG-related conditions. ClinVar contains an entry for this variant (Variation ID: 1444336). Invitae Evidence Modeling of protein sequence and biophysical properties (such as structural, functional, and spatial information, amino acid conservation, physicochemical variation, residue mobility, and thermodynamic stability) indicates that this missense variant is not expected to disrupt POLG protein function with a negative predictive value of 95%. In summary, the available evidence is currently insufficient to determine the role of this variant in disease. Therefore, it has been classified as a Variant of Uncertain Significance.

GeneDx
Classification: Uncertain significance. Last evaluated: 2023-10-03. Review status: criteria provided, single submitter. Criteria: GeneDx Variant Classification Process June 2021. Collection method: clinical testing. Allele origin: germline. Affected: yes.
Comment: Not observed at significant frequency in large population cohorts (gnomAD); In silico analysis supports that this missense variant does not alter protein structure/function; Has not been previously published as pathogenic or benign to our knowledge